The following is an entry in ClinVar:

ClinVar aggregate classification (germline): Conflicting classifications of pathogenicity. Review status: criteria provided, conflicting classifications (1 of 4 stars). 5 submissions from 5 submitters: Pathogenic (2); Likely pathogenic (1); Uncertain significance (1). 1 of the submissions does not count toward it. Last evaluated 2024-10-04.

Conditions:
Carnitine acylcarnitine translocase deficiency (CACTD). Identifiers: Orphanet 159, MedGen C0342791, MONDO:0008918, OMIM 212138.

Allele frequency attached by ClinVar (database versions not stated): ExAC 0.00010.
gnomAD v4.1: 40 of 1,607,344 alleles (0.0025%); highest among the groups gnomAD compares: South Asian, 0.044%; no homozygotes.

Submissions (5):

Dubai Health Genomic Medicine Center, Dubai Health
Classification: Likely pathogenic for Carnitine-acylcarnitine translocase deficiency. Last evaluated: 2024-10-04. Review status: criteria provided, single submitter. Criteria: ACMG Guidelines, 2015. Collection method: research. Allele origin: germline. Affected: yes.
Comment: PM3 (moderate),PM2,PP3,PP1

Revvity Omics, Revvity
Classification: Uncertain significance for Carnitine acylcarnitine translocase deficiency. Last evaluated: 2024-02-26. Review status: criteria provided, single submitter. Criteria: ACMG Guidelines, 2015. Collection method: clinical testing. Allele origin: germline.

Women's Health and Genetics/Laboratory Corporation of America, LabCorp
Classification: Pathogenic for Carnitine acylcarnitine translocase deficiency. Last evaluated: 2023-07-27. Review status: criteria provided, single submitter. Criteria: LabCorp Variant Classification Summary - May 2015. Collection method: clinical testing. Allele origin: germline.
Comment: Variant summary: SLC25A20 c.82G>T (p.Gly28Cys) results in a non-conservative amino acid change in the encoded protein sequence. Five of five in-silico tools predict a damaging effect of the variant on protein function. The variant allele was found at a frequency of 5.5e-05 in 236864 control chromosomes (gnomAD). This frequency is not significantly higher than estimated for a pathogenic variant in SLC25A20 causing Carnitine-Acylcarnitine Translocase Deficiency (5.5e-05 vs 0.0011), allowing no conclusion about variant significance. c.82G>T has been reported in the literature in multiple individuals affected with Carnitine-Acylcarnitine Translocase Deficiency (examples: Costa_2003, MacDonald_2018, and Ryder_2021). These data indicate that the variant is very likely to be associated with disease. At least one publication reports experimental evidence evaluating an impact on protein function. The most pronounced variant effect results in <10% of normal activity (example: Costa_2003). The following publications have been ascertained in the context of this evaluation (PMID: 12559850, 29425111, 33634872). Three submitters have cited clinical-significance assessments for this variant to ClinVar after 2014 and classified the variant as Pathogenic (n=1) and VUS (n=2). Based on the evidence outlined above, the variant was classified as pathogenic.

Labcorp Genetics (formerly Invitae), Labcorp
Classification: Pathogenic for Carnitine acylcarnitine translocase deficiency. Last evaluated: 2023-03-09. Review status: criteria provided, single submitter. Criteria: Invitae Variant Classification Sherloc (09022015). Collection method: clinical testing. Allele origin: germline.
Comment: Advanced modeling of protein sequence and biophysical properties (such as structural, functional, and spatial information, amino acid conservation, physicochemical variation, residue mobility, and thermodynamic stability) performed at Invitae indicates that this missense variant is expected to disrupt SLC25A20 protein function. For these reasons, this variant has been classified as Pathogenic. ClinVar contains an entry for this variant (Variation ID: 1302740). This missense change has been observed in individual(s) with carnitine acylcarnitine translocase deficiency (PMID: 12559850, 33634872). This variant is present in population databases (rs747335514, gnomAD 0.04%). This sequence change replaces glycine, which is neutral and non-polar, with cysteine, which is neutral and slightly polar, at codon 28 of the SLC25A20 protein (p.Gly28Cys).

GeneDx
Classification: Uncertain significance. Last evaluated: 2020-10-05. Review status: flagged submission. Criteria: GeneDx Variant Classification Process June 2021. Collection method: clinical testing. Allele origin: germline. Affected: yes. Not counted in ClinVar's aggregate classification.
Comment: In silico analysis supports that this missense variant has a deleterious effect on protein structure/function; This variant is associated with the following publications: (PMID: 12559850, 9544911)
ClinVar note: Reason: Older claim that does not account for recent evidence

Literature cited by the submitters: PubMed 12559850 (cited by Women's Health and Genetics/Laboratory Corporation of America, LabCorp and Labcorp Genetics (formerly Invitae), Labcorp); PubMed 29425111 (cited by Women's Health and Genetics/Laboratory Corporation of America, LabCorp); PubMed 33634872 (cited by Women's Health and Genetics/Laboratory Corporation of America, LabCorp and Labcorp Genetics (formerly Invitae), Labcorp).

NM_000387.6(SLC25A20):c.82G>T (p.Gly28Cys)

Gene: SLC25A20 (solute carrier family 25 member 20; minus strand). Cytogenetic location: 3p21.31.
Variant type: single nucleotide variant.
Coding change: c.82G>T on transcript NM_000387.6 (MANE Select); coding-DNA position 82, G replaced by T.
Protein change: p.Gly28Cys; replaces glycine 28 with cysteine.
Molecular consequence: missense variant.
Genome position (GRCh38, 1-based): chr3:48,898,713, C>A on the plus strand (G>T on the coding strand, the complement: SLC25A20 is on the minus strand). VCF-style: chr3-48898713-C-A. GRCh37 (hg19) VCF-style: chr3-48936146-C-A.
Other names: short protein forms G28C.
Identifiers: ClinVar variation 1302740 (VCV001302740.12), dbSNP rs747335514, ClinGen allele CA2387519.